The following is an entry in ClinVar:

NM_000474.4(TWIST1):c.407C>T (p.Pro136Leu)

Gene: TWIST1 (twist family bHLH transcription factor 1; minus strand). Cytogenetic location: 7p21.1.
Variant type: single nucleotide variant.
Coding change: c.407C>T on transcript NM_000474.4 (MANE Select); coding-DNA position 407, C replaced by T.
Protein change: p.Pro136Leu; replaces proline 136 with leucine.
Molecular consequence: missense variant. On other transcripts: non-coding transcript variant (1).
Genome position (GRCh38, 1-based): chr7:19,116,915, G>A on the plus strand (C>T on the coding strand, the complement: TWIST1 is on the minus strand). VCF-style: chr7-19116915-G-A. GRCh37 (hg19) VCF-style: chr7-19156538-G-A.
Other names: short protein forms P136L.
Identifiers: ClinVar variation 2429580 (VCV002429580.3), dbSNP rs2486049688, ClinGen allele CA367015503.
Genomic context (GRCh38, chr7:19,116,915, plus strand): 5'-ATGTACCTGGCCGCCAGCTTGAGGGTCTGAATCTTGCTCAGCTTGTCCGAGGGCAGCGTG[G>A]GGATGATCTTCCGCAGCGCGGCGAACGCCTCGTTCAGCGACTGGGTGCGCTGGCGCTCCC-3'
Protein context (NP_000465.1, residues 126-146): EAFAALRKII[Pro136Leu]TLPSDKLSKI

ClinVar aggregate classification (germline): Conflicting classifications of pathogenicity. Review status: criteria provided, conflicting classifications (1 of 4 stars). 2 submissions from 2 submitters: Likely pathogenic (1); Uncertain significance (1). Last evaluated 2024-02-08.

Conditions:
TWIST1-related craniosynostosis (CRS1). Also called: CRANIOSYNOSTOSIS 1. Identifiers: Orphanet 63440, MedGen C4551902, MONDO:0007399, OMIM 123100. Inheritance: Heterogenous inheritance pattern.
Saethre-Chotzen syndrome (SCS). Also called: ACROCEPHALY, SKULL ASYMMETRY, AND MILD SYNDACTYLY; ACS III; CHOTZEN SYNDROME. Identifiers: Orphanet 794, MedGen C0175699, MONDO:0007042, OMIM 101400.

Submissions (2):

Labcorp Genetics (formerly Invitae), Labcorp
Classification: Uncertain significance for TWIST1-related craniosynostosis; Saethre-Chotzen syndrome. Last evaluated: 2024-02-08. Review status: criteria provided, single submitter. Criteria: Invitae Variant Classification Sherloc (09022015). Collection method: clinical testing. Allele origin: germline.
Comment: This sequence change replaces proline, which is neutral and non-polar, with leucine, which is neutral and non-polar, at codon 136 of the TWIST1 protein (p.Pro136Leu). This variant is not present in population databases (gnomAD no frequency). This missense change has been observed in individuals with clinical features of TWIST1-related conditions (PMID: 9792856, 24127277). ClinVar contains an entry for this variant (Variation ID: 2429580). An algorithm developed to predict the effect of missense changes on protein structure and function (PolyPhen-2) suggests that this variant is likely to be disruptive. This variant disrupts the p.Pro136 amino acid residue in TWIST1. Other variant(s) that disrupt this residue have been observed in individuals with TWIST1-related conditions (PMID: 9792856, 31754721), which suggests that this may be a clinically significant amino acid residue. In summary, the available evidence is currently insufficient to determine the role of this variant in disease. Therefore, it has been classified as a Variant of Uncertain Significance.

GeneDx
Classification: Likely pathogenic. Last evaluated: 2022-08-10. Review status: criteria provided, single submitter. Criteria: GeneDx Variant Classification Process June 2021. Collection method: clinical testing. Allele origin: germline. Affected: yes.
Comment: Not observed at significant frequency in large population cohorts (gnomAD); In silico analysis supports that this missense variant has a deleterious effect on protein structure/function; This variant is associated with the following publications: (PMID: 33369125, 7762595, Kumar2011[paper], 9792856, 18391498, 24127277, 27002187)

Literature cited by the submitters: PubMed 9792856 (cited by Labcorp Genetics (formerly Invitae), Labcorp); PubMed 24127277 (cited by Labcorp Genetics (formerly Invitae), Labcorp); PubMed 31754721 (cited by Labcorp Genetics (formerly Invitae), Labcorp).